The following is an entry in ClinVar:

ClinVar aggregate classification (germline): Uncertain significance (1 of 4 stars; one submission).

Conditions:
Glycogen storage disease IV, classic hepatic. Also called: GSD IV, CLASSIC HEPATIC. Identifiers: MedGen C1856301.
Glycogen storage disease, type IV (GSD4). Also called: BRANCHER DEFICIENCY; CIRRHOSIS, FAMILIAL, WITH DEPOSITION OF ABNORMAL GLYCOGEN; AMYLOPECTINOSIS; ANDERSEN DISEASE; Glycogen storage disease due to glycogen branching enzyme deficiency; GBE1 DEFICIENCY. Identifiers: Orphanet 367, MedGen C0017923, MONDO:0009292, OMIM 232500.

gnomAD v4.1: 16 of 1,607,274 alleles (0.001%); highest among the groups gnomAD compares: Non-Finnish European, 0.0014%; no homozygotes.

Submission:

Labcorp Genetics (formerly Invitae), Labcorp
Classification: Uncertain significance for Glycogen storage disease, type IV; Glycogen storage disease IV, classic hepatic. Last evaluated: 2022-02-09. Review status: criteria provided, single submitter. Criteria: Invitae Variant Classification Sherloc (09022015). Collection method: clinical testing. Allele origin: germline.
Comment: This sequence change replaces leucine, which is neutral and non-polar, with proline, which is neutral and non-polar, at codon 383 of the GBE1 protein (p.Leu383Pro). This variant is present in population databases (no rsID available, gnomAD 0.0009%). This variant has not been reported in the literature in individuals affected with GBE1-related conditions. Advanced modeling of protein sequence and biophysical properties (such as structural, functional, and spatial information, amino acid conservation, physicochemical variation, residue mobility, and thermodynamic stability) performed at Invitae indicates that this missense variant is not expected to disrupt GBE1 protein function. In summary, the available evidence is currently insufficient to determine the role of this variant in disease. Therefore, it has been classified as a Variant of Uncertain Significance.

NM_000158.4(GBE1):c.1148T>C (p.Leu383Pro)

Gene: GBE1 (1,4-alpha-glucan branching enzyme 1; minus strand). Cytogenetic location: 3p12.2.
Variant type: single nucleotide variant.
Coding change: c.1148T>C on transcript NM_000158.4 (MANE Select); coding-DNA position 1148, T replaced by C.
Protein change: p.Leu383Pro; replaces leucine 383 with proline.
Molecular consequence: missense variant.
Genome position (GRCh38, 1-based): chr3:81,591,125, A>G on the plus strand (T>C on the coding strand, the complement: GBE1 is on the minus strand). VCF-style: chr3-81591125-A-G. GRCh37 (hg19) VCF-style: chr3-81640276-A-G.
Other names: short protein forms L383P.
Identifiers: ClinVar variation 2162319 (VCV002162319.1), dbSNP rs777291512, ClinGen allele CA78286142.